The following is an entry in ClinVar:

NM_001111125.3(IQSEC2):c.1649dup (p.Leu551fs)

Gene: IQSEC2 (IQ motif and Sec7 domain ArfGEF 2; minus strand). Cytogenetic location: Xp11.22.
Variant type: Duplication.
Coding change: c.1649dup on transcript NM_001111125.3 (MANE Select); coding-DNA position 1649, one base duplicated (C; older notation c.1649dupC).
Protein change: p.Leu551fs; shifts the reading frame from leucine 551.
Molecular consequence: frameshift variant.
Genome position (GRCh38, 1-based): chrX:53,250,927, G duplicated on the plus strand (C on the coding strand, the reverse complement: IQSEC2 is on the minus strand); the first of 4 consecutive G bases (chrX:53,250,927-53,250,930); duplicating any one gives the same sequence. VCF-style (leftmost placement, unchanged base first): chrX-53250926-A-AG. GRCh37 (hg19) VCF-style: chrX-53280108-A-AG.
Other names: c.1034dup, p.Leu346fs (NM_015075.2); c.1649dupC (NM_001111125.2); short protein forms L346fs, L551fs.
Identifiers: ClinVar variation 471265 (VCV000471265.7), dbSNP rs1556863398, ClinGen allele CA658658988.
Genomic context (GRCh38, chrX:53,250,926, plus strand): 5'-TTCCTCACGGCTACCGTCTTCCCGGGTTCCTGATGGCACTGGTGGAGGAACTGGCGGGAG[A>AG]GGGGCTGGCGCCCAGAACTCGGGCCGGCCCTGGGGTGGGGGTTCTGTGCTGGGCAGTCGC-3'

ClinVar aggregate classification (germline): Pathogenic (1 of 4 stars; one submission).

Conditions:
Intellectual developmental disorder, X-linked 1. Also called: MENTAL RETARDATION, X-LINKED 18; MENTAL RETARDATION, X-LINKED 78; Intellectual disability, X-linked 1; Atkin Flaitz Patil Smith syndrome. Identifiers: Orphanet 777, MedGen C2931498, MONDO:0010656, OMIM 309530.

Submission:

Labcorp Genetics (formerly Invitae), Labcorp
Classification: Pathogenic for Intellectual developmental disorder, X-linked 1. Last evaluated: 2017-03-09. Review status: criteria provided, single submitter. Criteria: Invitae Variant Classification Sherloc (09022015). Collection method: clinical testing. Allele origin: germline.
Comment: For these reasons, this variant has been classified as Pathogenic. While this particular variant has not been reported in the literature, loss-of-function variants in IQSEC2 are known to be pathogenic (PMID: 21686261, 26793055). This sequence change inserts 1 nucleotide in exon 5 of the IQSEC2 mRNA (c.1649dupC), causing a frameshift at codon 551. This creates a premature translational stop signal (p.Leu551Serfs*17) and is expected to result in an absent or disrupted protein product.

Literature cited by the submitters: PubMed 21686261; PubMed 26793055.